The following is an entry in ClinVar:

ClinVar aggregate classification (germline): Likely benign. Review status: criteria provided, multiple submitters, no conflicts (2 of 4 stars). 4 submissions from 4 submitters: Likely benign (4). Last evaluated 2023-11-02.

Conditions:
Classic or attenuated familial adenomatous polyposis. Identifiers: MedGen CN372698, MONDO:0021057.
Hereditary cancer-predisposing syndrome. Also called: Tumor predisposition; Hereditary neoplastic syndrome; Neoplastic Syndromes, Hereditary; Hereditary Cancer Syndrome. Identifiers: Orphanet 140162, MedGen C0027672, MeSH D009386, MONDO:0015356.
Familial adenomatous polyposis 1 (FAP1). Also called: POLYPOSIS, ADENOMATOUS INTESTINAL; FAMILIAL ADENOMATOUS POLYPOSIS 1, ATTENUATED. Identifiers: MedGen C2713442, MONDO:0021056, OMIM 175100. Disease mechanism: loss of function.

gnomAD v4.1: 3 of 1,613,354 alleles (0.00019%); highest among the groups gnomAD compares: Non-Finnish European, 0.00025%; no homozygotes.

Submissions (4):

All of Us Research Program, National Institutes of Health
Classification: Likely benign for Classic or attenuated familial adenomatous polyposis. Last evaluated: 2023-11-02. Review status: criteria provided, single submitter. Criteria: ACMG Guidelines, 2015. Collection method: clinical testing. Allele origin: germline. Inheritance: Autosomal dominant inheritance. Observed: 1 variant allele, 1 heterozygote.
Comment: This study involves interpretation of variants in research participants for the purpose of population health screening. Participant phenotype was not available at the time of variant classification. Additional details can be found in publication PMID: 35346344, PMCID: PMC8962531

Labcorp Genetics (formerly Invitae), Labcorp
Classification: Likely benign for Familial adenomatous polyposis 1. Last evaluated: 2023-03-26. Review status: criteria provided, single submitter. Criteria: Invitae Variant Classification Sherloc (09022015). Collection method: clinical testing. Allele origin: germline.

Ambry Genetics
Classification: Likely benign for Hereditary cancer-predisposing syndrome. Last evaluated: 2022-12-31. Review status: criteria provided, single submitter. Criteria: Ambry Variant Classification Scheme 2023. Collection method: clinical testing. Allele origin: germline.

Color Diagnostics, LLC DBA Color Health
Classification: Likely benign for Hereditary cancer-predisposing syndrome. Last evaluated: 2022-11-21. Review status: criteria provided, single submitter. Criteria: ACMG Guidelines, 2015. Collection method: clinical testing. Allele origin: germline.

NM_000038.6(APC):c.1563T>C (p.Ser521=)

Gene: APC (APC regulator of Wnt signaling pathway; plus strand). Cytogenetic location: 5q22.2.
Variant type: single nucleotide variant.
Coding change: c.1563T>C on transcript NM_000038.6 (MANE Select); coding-DNA position 1563, T replaced by C.
Protein change: p.Ser521=; no amino-acid change (serine 521 retained).
Molecular consequence: synonymous variant.
Genome position (GRCh38, 1-based): chr5:112,827,943, T>C. VCF-style: chr5-112827943-T-C. GRCh37 (hg19) VCF-style: chr5-112163640-T-C.
Other names: c.1563T>C, p.Ser521= (NM_001127510.3, NM_001354895.2); c.1509T>C, p.Ser503= (NM_001127511.3); c.1617T>C, p.Ser539= (NM_001354896.2); c.1593T>C, p.Ser531= (NM_001354897.2); c.1488T>C, p.Ser496= (NM_001354898.2); c.1479T>C, p.Ser493= (NM_001354899.2); c.1440T>C, p.Ser480= (NM_001354900.2); c.1386T>C, p.Ser462= (NM_001354901.2); and 6 more.
Identifiers: ClinVar variation 1604087 (VCV001604087.13), dbSNP rs2149813275, ClinGen allele CA445756689.
Genomic context (GRCh38, chr5:112,827,943, plus strand): 5'-TCAAGTTGTCTTTTTAATGATCCTCTATTCTGTATTTAATTTACAGGCTACGCTATGCTC[T>C]ATGAAAGGCTGCATGAGAGCACTTGTGGCCCAACTAAAATCTGAAAGTGAAGACTTACAG-3'
Protein context (NP_000029.2, residues 511-531): GDVANKATLC[Ser521=]MKGCMRALVA